The following is an entry in ClinVar:

ClinVar aggregate classification (germline): Likely benign. Review status: criteria provided, single submitter (1 of 4 stars). 2 submissions from 2 submitters: Likely benign (1). 1 of the submissions does not count toward it. Last evaluated 2025-07-30.

Conditions:
FASN-related disorder. Also called: FASN-related condition.
Epileptic encephalopathy. Identifiers: MedGen C0543888, HP:0200134.

Allele frequency attached by ClinVar (database versions not stated): gnomAD exomes 0.00003 and 0.00004; ExAC 0.00005; gnomAD 0.00005; TOPMed 0.00006; ESP Exome Variant Server 0.00008; 1000 Genomes Project 0.00040; 1000 Genomes Project 30x 0.00062.
gnomAD v4.1: 55 of 1,611,884 alleles (0.0034%); highest among the groups gnomAD compares: Middle Eastern, 0.033%; no homozygotes.

Submissions (2):

Labcorp Genetics (formerly Invitae), Labcorp
Classification: Likely benign for Epileptic encephalopathy. Last evaluated: 2025-07-30. Review status: criteria provided, single submitter. Criteria: Invitae Variant Classification Sherloc (09022015). Collection method: clinical testing. Allele origin: germline.

PreventionGenetics, part of Exact Sciences
Classification: Likely benign for FASN-related condition. Last evaluated: 2019-09-06. Review status: no assertion criteria provided. Collection method: clinical testing. Allele origin: germline. Not counted in ClinVar's aggregate classification.
Comment: This variant is classified as likely benign based on ACMG/AMP sequence variant interpretation guidelines (Richards et al. 2015 PMID: 25741868, with internal and published modifications).

NM_004104.5(FASN):c.2694G>A (p.Thr898=)

Gene: FASN (fatty acid synthase; minus strand). Cytogenetic location: 17q25.3.
Variant type: single nucleotide variant.
Coding change: c.2694G>A on transcript NM_004104.5 (MANE Select); coding-DNA position 2694, G replaced by A.
Protein change: p.Thr898=; no amino-acid change (threonine 898 retained).
Molecular consequence: synonymous variant.
Genome position (GRCh38, 1-based): chr17:82,088,207, C>T on the plus strand (G>A on the coding strand, the complement: FASN is on the minus strand). VCF-style: chr17-82088207-C-T. GRCh37 (hg19) VCF-style: chr17-80046083-C-T.
Identifiers: ClinVar variation 710513 (VCV000710513.13), dbSNP rs373471307, ClinGen allele CA8852681.